The following is an entry in ClinVar:

ClinVar aggregate classification (germline): Conflicting classifications of pathogenicity. Review status: criteria provided, conflicting classifications (1 of 4 stars). 6 submissions from 6 submitters: Uncertain significance (5); Likely benign (1). Last evaluated 2025-09-24.

Conditions:
Cardiovascular phenotype. Identifiers: MedGen CN230736.
Ehlers-Danlos syndrome (EDS). Identifiers: Orphanet 98249, MedGen C0013720, MONDO:0020066.
Brittle cornea syndrome 1 (BCS1). Also called: CORNEAL FRAGILITY, KERATOGLOBUS, BLUE SCLERAE, JOINT HYPEREXTENSIBILITY; EDS6B; FRAGILITAS OCULI WITH JOINT HYPEREXTENSIBILITY; DYSGENESIS MESODERMALIS CORNEAE ET SCLERAE; Corneal fragility keratoglobus, blue sclerae AND joint hypermobility. Identifiers: Orphanet 90354, MedGen C0268344, MONDO:0024543, OMIM 229200.

Allele frequency attached by ClinVar (database versions not stated): TOPMed 0.00004; gnomAD 0.00006 and 0.00008; gnomAD exomes 0.00007 and 0.00008; ExAC 0.00029.
gnomAD v4.1: 110 of 1,550,236 alleles (0.0071%); highest among the groups gnomAD compares: South Asian, 0.036%; no homozygotes.

Submissions (6):

Women's Health and Genetics/Laboratory Corporation of America, LabCorp
Classification: Uncertain significance. Last evaluated: 2025-09-24. Review status: criteria provided, single submitter. Criteria: LabCorp Variant Classification Summary - May 2015. Collection method: clinical testing. Allele origin: germline.
Comment: Variant summary: ZNF469 c.8590C>G (p.Pro2864Ala) results in a non-conservative amino acid change in the encoded protein sequence. Algorithms developed to predict the effect of missense changes on protein structure and function are either unavailable or do not agree on the potential impact of this missense change. The variant allele was found at a frequency of 7.9e-05 in 152250 control chromosomes. This frequency is not significantly higher than estimated for disease-causing variants in ZNF469, allowing no conclusion about variant significance. To our knowledge, no occurrence of c.8590C>G in individuals affected with ZNF469-related conditions and no experimental evidence demonstrating its impact on protein function have been reported. ClinVar contains an entry for this variant (Variation ID: 1199946). Based on the evidence outlined above, the variant was classified as uncertain significance.

Labcorp Genetics (formerly Invitae), Labcorp
Classification: Uncertain significance. Last evaluated: 2024-11-04. Review status: criteria provided, single submitter. Criteria: Invitae Variant Classification Sherloc (09022015). Collection method: clinical testing. Allele origin: germline.
Comment: This sequence change replaces proline, which is neutral and non-polar, with alanine, which is neutral and non-polar, at codon 2836 of the ZNF469 protein (p.Pro2836Ala). This variant is present in population databases (rs751901105, gnomAD 0.03%). This variant has not been reported in the literature in individuals affected with ZNF469-related conditions. ClinVar contains an entry for this variant (Variation ID: 1199946). An algorithm developed to predict the effect of missense changes on protein structure and function (PolyPhen-2) suggests that this variant is likely to be disruptive. In summary, the available evidence is currently insufficient to determine the role of this variant in disease. Therefore, it has been classified as a Variant of Uncertain Significance.

Fulgent Genetics
Classification: Uncertain significance for Brittle cornea syndrome 1. Last evaluated: 2024-03-05. Review status: criteria provided, single submitter. Criteria: ACMG Guidelines, 2015. Collection method: clinical testing. Allele origin: germline.

Ambry Genetics
Classification: Likely benign for Cardiovascular phenotype. Last evaluated: 2022-10-09. Review status: criteria provided, single submitter. Criteria: Ambry Variant Classification Scheme 2023. Collection method: clinical testing. Allele origin: germline.

GeneDx
Classification: Uncertain significance. Last evaluated: 2021-03-25. Review status: criteria provided, single submitter. Criteria: GeneDx Variant Classification Process June 2021. Collection method: clinical testing. Allele origin: germline. Affected: yes.
Comment: In silico analysis, which includes protein predictors and evolutionary conservation, supports a deleterious effect; Has not been previously published as pathogenic or benign to our knowledge

Genome Diagnostics Laboratory, The Hospital for Sick Children
Classification: Uncertain significance for Ehlers-Danlos syndrome. Last evaluated: 2020-04-01. Review status: criteria provided, single submitter. Criteria: ACMG Guidelines, 2015. Collection method: clinical testing. Allele origin: germline.

NM_001367624.2(ZNF469):c.8590C>G (p.Pro2864Ala)

Gene: ZNF469 (zinc finger protein 469; plus strand). Cytogenetic location: 16q24.2.
Variant type: single nucleotide variant.
Coding change: c.8590C>G on transcript NM_001367624.2 (MANE Select); coding-DNA position 8590, C replaced by G.
Protein change: p.Pro2864Ala; replaces proline 2864 with alanine.
Molecular consequence: missense variant.
Genome position (GRCh38, 1-based): chr16:88,436,060, C>G. VCF-style: chr16-88436060-C-G. GRCh37 (hg19) VCF-style: chr16-88502468-C-G.
Other names: NM_001127464.1:c.8506C>G; NM_001127464.2:c.8506C>G; short protein forms P2864A.
Identifiers: ClinVar variation 1199946 (VCV001199946.14), dbSNP rs751901105, ClinGen allele CA8225344.